The following is an entry in ClinVar:

NM_001089.3(ABCA3):c.613+4A>G

Gene: ABCA3 (ATP binding cassette subfamily A member 3; minus strand). Cytogenetic location: 16p13.3.
Variant type: single nucleotide variant.
Coding change: c.613+4A>G on transcript NM_001089.3 (MANE Select); 4 bases into the intron after coding-DNA position 613, A replaced by G.
Molecular consequence: intron variant.
Genome position (GRCh38, 1-based): chr16:2,323,519, T>C on the plus strand (A>G on the coding strand, the complement: ABCA3 is on the minus strand). VCF-style: chr16-2323519-T-C. GRCh37 (hg19) VCF-style: chr16-2373520-T-C.
Identifiers: ClinVar variation 2910399 (VCV002910399.4), dbSNP rs765846519, ClinGen allele CA7841602.
Genomic context (GRCh38, chr16:2,323,519, plus strand): 5'-CCCATATGACTGTCACTAGTCAACAGCCCGGGCTGGTAACACGAACCCTAACCGAGCTTC[T>C]CACCAGGTTCTCCGCCATCAGGGGATGTAGGTTCCCTTGGTCCTGGGTTTGGGAAAAGCG-3'

ClinVar aggregate classification (germline): Likely pathogenic (1 of 4 stars; one submission).

Allele frequency attached by ClinVar (database versions not stated): ExAC 0.00001; gnomAD exomes 0.00001; TOPMed 0.00001.
gnomAD v4.1: 19 of 1,614,106 alleles (0.0012%); highest among the groups gnomAD compares: Non-Finnish European, 0.00025%; no homozygotes.

Submission:

Labcorp Genetics (formerly Invitae), Labcorp
Classification: Likely pathogenic. Last evaluated: 2026-01-20. Review status: criteria provided, single submitter. Criteria: Invitae Variant Classification Sherloc (09022015). Collection method: clinical testing. Allele origin: germline.
Comment: This sequence change falls in intron 7 of the ABCA3 gene. It does not directly change the encoded amino acid sequence of the ABCA3 protein. It affects a nucleotide within the consensus splice site. This variant is present in population databases (rs765846519, gnomAD 0.03%). This variant has been observed in individual(s) with autosomal recessive surfactant dysfunction (PMID: 24871971). In at least one individual the data is consistent with being in trans (on the opposite chromosome) from a pathogenic variant. ClinVar contains an entry for this variant (Variation ID: 2910399). Variants that disrupt the consensus splice site are a relatively common cause of aberrant splicing (PMID: 17576681, 9536098). Algorithms developed to predict the effect of sequence changes on RNA splicing suggest that this variant may disrupt the consensus splice site. In summary, the currently available evidence indicates that the variant is pathogenic, but additional data are needed to prove that conclusively. Therefore, this variant has been classified as Likely Pathogenic.

Literature cited by the submitters: PubMed 24871971; PubMed 17576681; PubMed 9536098.